The following is an entry in ClinVar:

NM_014694.4(ADAMTSL2):c.2839A>G (p.Arg947Gly)

Gene: ADAMTSL2 (ADAMTS like 2; plus strand). Cytogenetic location: 9q34.2.
Variant type: single nucleotide variant.
Coding change: c.2839A>G on transcript NM_014694.4 (MANE Select); coding-DNA position 2839, A replaced by G.
Protein change: p.Arg947Gly; replaces arginine 947 with glycine.
Molecular consequence: missense variant.
Genome position (GRCh38, 1-based): chr9:133,574,847, A>G. VCF-style: chr9-133574847-A-G. GRCh37 (hg19) VCF-style: chr9-136439969-A-G.
Other names: c.2839A>G, p.Arg947Gly (NM_001145320.2); short protein forms R947G.
Identifiers: ClinVar variation 931256 (VCV000931256.3), dbSNP rs1389223791, ClinGen allele CA375414511.

ClinVar aggregate classification (germline): Uncertain significance (1 of 4 stars; one submission).

Conditions:
Geleophysic dysplasia 1 (GPHYSD1). Also called: Geleophysic dwarfism. Identifiers: Orphanet 2623, MedGen C3278147, MONDO:0009269, OMIM 231050.

Submission:

Centre for Mendelian Genomics, University Medical Centre Ljubljana
Classification: Uncertain significance for Geleophysic dysplasia 1. Last evaluated: 2018-10-12. Review status: criteria provided, single submitter. Criteria: ACMG Guidelines, 2015. Collection method: clinical testing. Allele origin: unknown. Affected: yes.
Comment: This variant was classified as: Uncertain significance. The available evidence on this variant's pathogenicity is insufficient or conflicting. The following ACMG criteria were applied in classifying this variant: PM2,PP3.